The following is an entry in ClinVar:

NM_020461.4(TUBGCP6):c.4913T>C (p.Met1638Thr)

Gene: TUBGCP6 (tubulin gamma complex component 6; minus strand). Cytogenetic location: 22q13.33.
Variant type: single nucleotide variant.
Coding change: c.4913T>C on transcript NM_020461.4 (MANE Select); coding-DNA position 4913, T replaced by C.
Protein change: p.Met1638Thr; replaces methionine 1638 with threonine.
Molecular consequence: missense variant.
Genome position (GRCh38, 1-based): chr22:50,218,529, A>G on the plus strand (T>C on the coding strand, the complement: TUBGCP6 is on the minus strand). VCF-style: chr22-50218529-A-G. GRCh37 (hg19) VCF-style: chr22-50656958-A-G.
Other names: short protein forms M1638T.
Identifiers: ClinVar variation 1382128 (VCV001382128.6), dbSNP rs2147172250, ClinGen allele CA412165527.
Genomic context (GRCh38, chr22:50,218,529, plus strand): 5'-GGCTCCAGCGGGGCCTCACCTGTGCGCTTGAGGTGGAAGCAGACGTCCTTGAGCGCCCAC[A>G]TCATGAGCTTCAGCTGCAGCAGGAAGGAGAAGACGCCGCTGTACTTGCTCACGCAGCCCT-3'
Protein context (NP_065194.3, residues 1628-1648): FSFLLQLKLM[Met1638Thr]WALKDVCFHL

ClinVar aggregate classification (germline): Uncertain significance (1 of 4 stars; one submission).

Allele frequency attached by ClinVar (database versions not stated): gnomAD exomes below 0.00001.

Submission:

Labcorp Genetics (formerly Invitae), Labcorp
Classification: Uncertain significance. Last evaluated: 2021-09-18. Review status: criteria provided, single submitter. Criteria: Invitae Variant Classification Sherloc (09022015). Collection method: clinical testing. Allele origin: germline.
Comment: This sequence change replaces methionine with threonine at codon 1638 of the TUBGCP6 protein (p.Met1638Thr). The methionine residue is weakly conserved and there is a moderate physicochemical difference between methionine and threonine. This variant is not present in population databases (ExAC no frequency). This variant has not been reported in the literature in individuals affected with TUBGCP6-related conditions. Algorithms developed to predict the effect of missense changes on protein structure and function output the following: SIFT: "Tolerated"; PolyPhen-2: "Benign"; Align-GVGD: "Class C0". The threonine amino acid residue is found in multiple mammalian species, which suggests that this missense change does not adversely affect protein function. In summary, the available evidence is currently insufficient to determine the role of this variant in disease. Therefore, it has been classified as a Variant of Uncertain Significance.